The following is an entry in ClinVar:

ClinVar aggregate classification (germline): Pathogenic/Likely pathogenic. Review status: criteria provided, multiple submitters, no conflicts (2 of 4 stars). 8 submissions from 8 submitters: Pathogenic (6); Likely pathogenic (1). 1 of the submissions does not count toward it. Last evaluated 2025-08-11.

Conditions:
F9-related disorder. Also called: F9-related condition.
Thrombophilia, X-linked, due to factor 9 defect. Identifiers: MedGen C2749016, MONDO:0010432, OMIM 300807.
Hereditary factor IX deficiency disease (HEMB). Also called: Hemophilia B; PLASMA THROMBOPLASTIN COMPONENT DEFICIENCY; F9 DEFICIENCY; FACTOR IX DEFICIENCY; Christmas Disease. Identifiers: Orphanet 98879, MedGen C0008533, MeSH D002836, MONDO:0010604, OMIM 306900.

Allele frequency attached by ClinVar (database versions not stated): TOPMed 0.00003.

Submissions (8):

PreventionGenetics, part of Exact Sciences
Classification: Pathogenic for F9-related condition. Last evaluated: 2025-08-11. Review status: criteria provided, single submitter. Criteria: ACMG Guidelines, 2015. Collection method: clinical testing. Allele origin: germline.
Comment: The F9 c.676C>T variant is predicted to result in the amino acid substitution p.Arg226Trp. This variant also described using legacy nomenclature as p.Arg180Trp; has been reported in multiple individuals with moderate to severe hemophilia B (Giannelli et al. 1994. PubMed ID: 7937052; Hamasaki-Katagiri et al. 2012. PubMed ID: 22639855; Huang et al. 2020. PubMed ID: 32875744; F9 database). Different missense variants in the same codon (p.Arg226Gly, p.Arg226Gln, p.Arg226Pro and p.Arg226Leu) have also been reported in individuals with hemophilia B (Giannelli et al. 1994. PubMed ID: 7937052; Hamasaki-Katagiri et al. 2012. PubMed ID: 22639855; Huang et al. 2020. PubMed ID: 32875744; F9 database) suggesting that substitution of amino acid residue p.Arg226 is not tolerated. This variant has not been reported in a large population database (gnomAD), indicating this variant is rare. This variant is interpreted as pathogenic.

Center for Genomic Medicine, Rigshospitalet, Copenhagen University Hospital
Classification: Pathogenic. Last evaluated: 2025-03-04. Review status: criteria provided, single submitter. Criteria: ACMG Guidelines, 2015. Collection method: clinical testing. Allele origin: germline.

Genomic Medicine Center of Excellence, King Faisal Specialist Hospital and Research Centre
Classification: Pathogenic for Hereditary factor IX deficiency disease. Last evaluated: 2024-04-04. Review status: criteria provided, single submitter. Criteria: ACMG Guidelines, 2015. Collection method: clinical testing. Allele origin: germline.

ARUP Laboratories, Molecular Genetics and Genomics, ARUP Laboratories
Classification: Pathogenic. Last evaluated: 2024-03-04. Review status: criteria provided, single submitter. Criteria: ARUP Molecular Germline Variant Investigation Process 2024. Collection method: clinical testing. Allele origin: germline.
Comment: The F9 c.676C>T; p.Arg226Trp variant (rs137852240), also known as 20518C>T, is reported in the literature in multiple individuals affected with moderate to severe hemophilia B (see link to Factor IX database and references therein, Chavali 2009, Hamasaki-Katagiri 2012). This variant is also reported in ClinVar (Variation ID: 10590). It is absent from the Genome Aggregation Database (v2.1.1), indicating it is not a common polymorphism. The arginine at codon 226 lies at the cleavage site in the activation peptide and is highly conserved. Computational analyses predict that this variant is deleterious (REVEL: 0.7920). Additionally, other amino acid substitutions at this codon (Gly, Gln, Pro, Leu) have been reported in individuals with hemophilia B and are considered pathogenic (see link to Factor IX database and references therein). Based on available information, the p.Arg226Trp variant is considered to be pathogenic. References: Link to Factor IX database: Chavali S et al. Hemophilia B is a quasi-quantitative condition with certain mutations showing phenotypic plasticity. Genomics. 2009 Dec;94(6):433-7. PMID: 19699296. Hamasaki-Katagiri N et al. Analysis of F9 point mutations and their correlation to severity of haemophilia B disease. Haemophilia. 2012 Nov;18(6):933-40. PMID: 22639855.

Women's Health and Genetics/Laboratory Corporation of America, LabCorp
Classification: Pathogenic for Hereditary factor IX deficiency disease. Last evaluated: 2022-11-22. Review status: criteria provided, single submitter. Criteria: LabCorp Variant Classification Summary - May 2015. Collection method: clinical testing. Allele origin: germline.
Comment: Variant summary: F9 c.676C>T (p.Arg226Trp) results in a non-conservative amino acid change located in the Serine proteases, trypsin domain (IPR001254) of the encoded protein sequence. Five of five in-silico tools predict a damaging effect of the variant on protein function. The variant was absent in 183448 control chromosomes (gnomAD). c.676C>T has been reported in the literature in multiple individuals affected with Factor IX Deficiency (Hemophilia B) (examples: Ludwig_1992, Hamasaki-Katagiri_2012, Branchini_2021). These data indicate that the variant is very likely to be associated with disease. At least one publication reports experimental evidence evaluating an impact on protein function. The most pronounced variant effect results in <10% of normal activity (example: Branchini_2021). Other variants affecting the same amino acid (e.g R226Q, R226G) has been reported in patients with severe form of Hemophila B (Hamasaki-Katagiri_2012, Branchini_2021 and HGMD). Two clinical diagnostic laboratories have submitted clinical-significance assessments for this variant to ClinVar after 2014 and classified the variant as pathogenic/likely pathogenic. Based on the evidence outlined above, the variant was classified as pathogenic.

Labcorp Genetics (formerly Invitae), Labcorp
Classification: Pathogenic for Thrombophilia, X-linked, due to factor 9 defect; Hereditary factor IX deficiency disease. Last evaluated: 2022-04-23. Review status: criteria provided, single submitter. Criteria: Invitae Variant Classification Sherloc (09022015). Collection method: clinical testing. Allele origin: germline.
Comment: For these reasons, this variant has been classified as Pathogenic. This variant disrupts the p.Arg226 amino acid residue in F9. Other variant(s) that disrupt this residue have been observed in individuals with F9-related conditions (PMID: 32875744), which suggests that this may be a clinically significant amino acid residue. Algorithms developed to predict the effect of missense changes on protein structure and function (SIFT, PolyPhen-2, Align-GVGD) all suggest that this variant is likely to be disruptive. ClinVar contains an entry for this variant (Variation ID: 10590). This variant is also known as C20518T (180 R>W).. This missense change has been observed in individuals with hemophilia B (PMID: 1346077, 18624698, 19699296, 32875744). This variant is not present in population databases (gnomAD no frequency). This sequence change replaces arginine, which is basic and polar, with tryptophan, which is neutral and slightly polar, at codon 226 of the F9 protein (p.Arg226Trp).

Genetics and Molecular Pathology, SA Pathology
Classification: Likely pathogenic for Hereditary factor IX deficiency disease. Last evaluated: 2021-04-22. Review status: criteria provided, single submitter. Criteria: ACMG Guidelines, 2015. Collection method: clinical testing. Allele origin: germline. Affected: yes.

OMIM
Classification: Pathogenic for HEMOPHILIA B. Last evaluated: 1989-12-15. Review status: no assertion criteria provided. Collection method: literature only. Allele origin: germline. Not counted in ClinVar's aggregate classification.

Literature cited by the submitters: PubMed 34626083 (cited by Center for Genomic Medicine, Rigshospitalet, Copenhagen University Hospital and Women's Health and Genetics/Laboratory Corporation of America, LabCorp); PubMed 28401797 (cited by Center for Genomic Medicine, Rigshospitalet, Copenhagen University Hospital); PubMed 22639855 (cited by Women's Health and Genetics/Laboratory Corporation of America, LabCorp); PubMed 1346077 (cited by Women's Health and Genetics/Laboratory Corporation of America, LabCorp and Labcorp Genetics (formerly Invitae), Labcorp); PubMed 32875744 (cited by Labcorp Genetics (formerly Invitae), Labcorp); PubMed 18624698 (cited by Labcorp Genetics (formerly Invitae), Labcorp); PubMed 19699296 (cited by Labcorp Genetics (formerly Invitae), Labcorp); PubMed 2592373 (cited by OMIM); PubMed 734633 (cited by OMIM).

NM_000133.4(F9):c.676C>T (p.Arg226Trp)

Gene: F9 (coagulation factor IX; plus strand). Cytogenetic location: Xq27.1.
Variant type: single nucleotide variant.
Coding change: c.676C>T on transcript NM_000133.4 (MANE Select); coding-DNA position 676, C replaced by T.
Protein change: p.Arg226Trp; replaces arginine 226 with tryptophan.
Molecular consequence: missense variant.
Genome position (GRCh38, 1-based): chrX:139,551,217, C>T. VCF-style: chrX-139551217-C-T. GRCh37 (hg19) VCF-style: chrX-138633376-C-T.
Other names: F9, ARG180TRP; R180W; c.562C>T, p.Arg188Trp (NM_001313913.2); short protein forms R226W, R188W.
Identifiers: ClinVar variation 10590 (VCV000010590.22), dbSNP rs137852240, ClinGen allele CA255350.